The following is an entry in ClinVar:

NM_000548.5(TSC2):c.334C>T (p.Gln112Ter)

Gene: TSC2 (TSC complex subunit 2; plus strand). Cytogenetic location: 16p13.3.
Variant type: single nucleotide variant.
Coding change: c.334C>T on transcript NM_000548.5 (MANE Select); coding-DNA position 334, C replaced by T.
Protein change: p.Gln112Ter; replaces glutamine 112 with a stop codon.
Molecular consequence: nonsense. On other transcripts: intron variant (2).
Genome position (GRCh38, 1-based): chr16:2,053,450, C>T. VCF-style: chr16-2053450-C-T. GRCh37 (hg19) VCF-style: chr16-2103451-C-T.
Other names: c.334C>T, p.Gln112Ter (NM_001077183.3, NM_001114382.3, NM_001363528.2 and 3 more transcripts); c.187C>T, p.Gln63Ter (NM_001318829.2); c.367C>T, p.Gln123Ter (NM_001318832.2); c.226-846C>T (NM_001318827.2); c.-1-2746C>T (NM_001318831.2); short protein forms Q112*, Q123*, Q63*.
Identifiers: ClinVar variation 65049 (VCV000065049.3), dbSNP rs397515308, ClinGen allele CA018928.

ClinVar aggregate classification (germline): Pathogenic. Review status: criteria provided, single submitter (1 of 4 stars). 2 submissions from 2 submitters: Pathogenic (1). 1 of the submissions does not count toward it. Last evaluated 2025-05-16.

Conditions:
Tuberous sclerosis syndrome (TSC). Also called: Tuberous Sclerosis Complex; Tuberous sclerosis. Identifiers: Orphanet 805, MedGen C0041341, MONDO:0001734.
Tuberous sclerosis 2 (TSC2). Identifiers: Orphanet 805, MedGen C1860707, MONDO:0013199, OMIM 613254.

Submissions (2):

Dasa
Classification: Pathogenic for Tuberous sclerosis 2. Last evaluated: 2025-05-16. Review status: criteria provided, single submitter. Criteria: DASA Assertion Criteria. Collection method: clinical testing. Allele origin: germline.
Comment: NM_000548.5(TSC2):c.334C>T (p.Gln112*) introduces a premature stop codon predicted to result in loss of normal protein function. Loss-of-function is an established mechanism of disease for this gene, and this variant has been reported in individuals with tuberous sclerosis complex (PMID: 27974549). Based on the available data, this variant is classified as pathogenic.

Tuberous sclerosis database (TSC2)
No classification provided. Condition: TSC. Review status: no classification provided. Criteria: Tuberous Sclerosis Database Assertion Criteria 2015. Collection method: curation. Allele origin: germline. Affected: yes. Not counted in ClinVar's aggregate classification.

Literature cited by the submitters: PubMed 27974549 (cited by Dasa).